The following is an entry in ClinVar:

ClinVar aggregate classification (germline): Uncertain significance (1 of 4 stars; one submission).

Submission:

Labcorp Genetics (formerly Invitae), Labcorp
Classification: Uncertain significance. Last evaluated: 2021-06-24. Review status: criteria provided, single submitter. Criteria: Invitae Variant Classification Sherloc (09022015). Collection method: clinical testing. Allele origin: germline.
Comment: In summary, the available evidence is currently insufficient to determine the role of this variant in disease. Therefore, it has been classified as a Variant of Uncertain Significance. Algorithms developed to predict the effect of missense changes on protein structure and function (SIFT, PolyPhen-2, Align-GVGD) all suggest that this variant is likely to be disruptive, but these predictions have not been confirmed by published functional studies and their clinical significance is uncertain. This variant has not been reported in the literature in individuals with RUSC2-related conditions. This variant is not present in population databases (ExAC no frequency). This sequence change replaces aspartic acid with glutamic acid at codon 1171 of the RUSC2 protein (p.Asp1171Glu). The aspartic acid residue is highly conserved and there is a small physicochemical difference between aspartic acid and glutamic acid.

NM_014806.5(RUSC2):c.3513C>A (p.Asp1171Glu)

Gene: RUSC2 (RUN and SH3 domain containing 2; plus strand). Cytogenetic location: 9p13.3.
Variant type: single nucleotide variant.
Coding change: c.3513C>A on transcript NM_014806.5 (MANE Select); coding-DNA position 3513, C replaced by A.
Protein change: p.Asp1171Glu; replaces aspartic acid 1171 with glutamic acid.
Molecular consequence: missense variant. On other transcripts: non-coding transcript variant (1).
Genome position (GRCh38, 1-based): chr9:35,560,153, C>A. VCF-style: chr9-35560153-C-A. GRCh37 (hg19) VCF-style: chr9-35560150-C-A.
Other names: c.3513C>A, p.Asp1171Glu (NM_001135999.2); c.879C>A, p.Asp293Glu (NM_001330740.2); short protein forms D1171E, D293E.
Identifiers: ClinVar variation 1402612 (VCV001402612.8), dbSNP rs779926889, ClinGen allele CA373353009.